The following is an entry in ClinVar:

ClinVar aggregate classification (germline): Uncertain significance (1 of 4 stars; one submission).

Submission:

GeneDx
Classification: Uncertain significance. Last evaluated: 2019-12-27. Review status: criteria provided, single submitter. Criteria: GeneDx Variant Classification Process June 2021. Collection method: clinical testing. Allele origin: germline. Affected: yes.
Comment: Has not been previously published as pathogenic or benign to our knowledge; Not observed in large population cohorts (Lek et al., 2016); In silico analysis, which includes protein predictors and evolutionary conservation, supports that this variant does not alter protein structure/function

NM_001372044.2(SHANK3):c.1794C>A (p.Asp598Glu)

Gene: SHANK3 (SH3 and multiple ankyrin repeat domains 3; plus strand). Cytogenetic location: 22q13.33.
Variant type: single nucleotide variant.
Coding change: c.1794C>A on transcript NM_001372044.2 (MANE Select); coding-DNA position 1794, C replaced by A.
Protein change: p.Asp598Glu; replaces aspartic acid 598 with glutamic acid.
Molecular consequence: missense variant.
Genome position (GRCh38, 1-based): chr22:50,698,760, C>A. VCF-style: chr22-50698760-C-A. GRCh37 (hg19) VCF-style: chr22-51137188-C-A.
Other names: c.1569C>A (NM_033517.1); short protein forms D598E.
Identifiers: ClinVar variation 1311657 (VCV001311657.2), dbSNP rs2146800699, ClinGen allele CA515255480.